The following is an entry in ClinVar:

NM_033380.3(COL4A5):c.953C>G (p.Pro318Arg)

Gene: COL4A5 (collagen type IV alpha 5 chain; plus strand). Cytogenetic location: Xq22.3.
Variant type: single nucleotide variant.
Coding change: c.953C>G on transcript NM_033380.3 (MANE Select); coding-DNA position 953, C replaced by G.
Protein change: p.Pro318Arg; replaces proline 318 with arginine.
Molecular consequence: missense variant.
Genome position (GRCh38, 1-based): chrX:108,582,900, C>G. VCF-style: chrX-108582900-C-G. GRCh37 (hg19) VCF-style: chrX-107826130-C-G.
Other names: c.953C>G, p.Pro318Arg (NM_000495.5); c.953C>G (NM_033380.1); short protein forms P318R.
Identifiers: ClinVar variation 2485585 (VCV002485585.3), dbSNP rs1449979085, ClinGen allele CA413927486.

ClinVar aggregate classification (germline): Uncertain significance. Review status: criteria provided, multiple submitters, no conflicts (2 of 4 stars). 2 submissions from 2 submitters: Uncertain significance (2). Last evaluated 2025-03-24.

Conditions:
Inborn genetic diseases. Identifiers: MedGen C0950123, MeSH D030342.

Allele frequency attached by ClinVar (database versions not stated): gnomAD exomes 0.00001; TOPMed 0.00001; gnomAD 0.00002.
gnomAD v4.1: 10 of 1,203,727 alleles (0.00083%); highest among the groups gnomAD compares: Non-Finnish European, 0.0011%; no homozygotes.

Submissions (2):

GeneDx
Classification: Uncertain significance. Last evaluated: 2025-03-24. Review status: criteria provided, single submitter. Criteria: GeneDx Variant Classification Process June 2021. Collection method: clinical testing. Allele origin: germline. Affected: yes.
Comment: Identified in a patient with nonsyndromic sporadic thoracic aortic aneurysm in published literature (PMID: 39125885); Not observed at significant frequency in large population cohorts (gnomAD); In silico analysis supports that this missense variant has a deleterious effect on protein structure/function; Occurs in the triple helical domain at the Y position in the canonical Gly-X-Y repeat; although this variant may have an effect on normal protein folding and function, missense substitution at the Y position is not a common mechanism of disease; This variant is associated with the following publications: (PMID: 39125885)

Ambry Genetics
Classification: Uncertain significance for Inborn genetic diseases. Last evaluated: 2023-02-16. Review status: criteria provided, single submitter. Criteria: Ambry Variant Classification Scheme 2023. Collection method: clinical testing. Allele origin: germline.